The following is an entry in ClinVar:

NM_001365276.2(TNXB):c.9158_9159inv (p.Met3053Thr)

Gene: TNXB (tenascin XB; minus strand). Cytogenetic location: 6p21.33.
Variant type: Inversion.
Coding change: c.9158_9159inv on transcript NM_001365276.2 (MANE Select).
Protein change: p.Met3053Thr; replaces methionine 3053 with threonine.
Molecular consequence: missense variant.
Genome position: GRCh38 VCF-style: chr6-32050278-CA-TG. GRCh37 (hg19) VCF-style: chr6-32018055-CA-TG.
Other names: p.Met3051Thr; c.9152_9153inv, p.Met3051Thr (NM_019105.8); c.9152_9153delinsCA (NM_019105.8); short protein forms M3051T, M3053T.
Identifiers: ClinVar variation 3253142 (VCV003253142.3).

ClinVar aggregate classification (germline): Uncertain significance. Review status: criteria provided, multiple submitters, no conflicts (2 of 4 stars). 3 submissions from 3 submitters: Uncertain significance (3). Last evaluated 2026-04-14.

Submissions (3):

Women's Health and Genetics/Laboratory Corporation of America, LabCorp
Classification: Uncertain significance. Last evaluated: 2026-04-14. Review status: criteria provided, single submitter. Criteria: LabCorp Variant Classification Summary - May 2015. Collection method: clinical testing. Allele origin: germline.
Comment: Variant summary: TNXB c.9152_9153delinsCA (p.Met3051Thr) results in a non-conservative amino acid change in the encoded protein sequence. Algorithms developed to predict the effect of missense changes on protein structure and function are either unavailable or do not agree on the potential impact of this missense change. The variant was absent in 1613218 control chromosomes. The available data on variant occurrences in the general population are insufficient to allow any conclusion about variant significance. To our knowledge, no occurrence of c.9152_9153delinsCA in individuals affected with TNXB-related conditions and no experimental evidence demonstrating its impact on protein function have been reported. ClinVar contains an entry for this variant (Variation ID: 3253142). Based on the evidence outlined above, the variant was classified as uncertain significance.

GeneDx
Classification: Uncertain significance. Last evaluated: 2024-05-13. Review status: criteria provided, single submitter. Criteria: GeneDx Variant Classification Process June 2021. Collection method: clinical testing. Allele origin: germline. Affected: yes.
Comment: Has not been previously published as pathogenic or benign to our knowledge; Not observed at significant frequency in large population cohorts (gnomAD); Deletion/insertion variant resulting in a missense substitution of Threonine for Methionine at position 3051; In silico analysis indicates that this variant does not alter protein structure/function

Mayo Clinic Laboratories, Mayo Clinic
Classification: Uncertain significance. Last evaluated: 2023-07-10. Review status: criteria provided, single submitter. Criteria: ACMG Guidelines, 2015. Collection method: clinical testing. Allele origin: germline. Observed: 1 variant allele.
Comment: BP4, PM2